The following is an entry in ClinVar:

ClinVar aggregate classification (germline): Uncertain significance (1 of 4 stars; one submission).

Conditions:
Neuropathy, hereditary sensory, type 2C. Also called: KIF1A-Related HSAN2 (HSAN2C); Hereditary sensory and autonomic neuropathy type IIC. Identifiers: Orphanet 970, MedGen C3280168, MONDO:0013634, OMIM 614213.
Hereditary spastic paraplegia 30. Identifiers: Orphanet 101010, MedGen C5235139, MONDO:0012476.
Intellectual disability, autosomal dominant 9 (NESCAVS). Also called: NESCAV SYNDROME; KIF1A-Related Neurodevelopmental Disorder. Identifiers: Orphanet 662367, MedGen C5393830, MONDO:0013656, OMIM 614255.

Submission:

Labcorp Genetics (formerly Invitae), Labcorp
Classification: Uncertain significance for Hereditary spastic paraplegia 30; Neuropathy, hereditary sensory, type 2C; Intellectual disability, autosomal dominant 9. Last evaluated: 2023-10-13. Review status: criteria provided, single submitter. Criteria: Invitae Variant Classification Sherloc (09022015). Collection method: clinical testing. Allele origin: germline.
Comment: This sequence change replaces alanine, which is neutral and non-polar, with aspartic acid, which is acidic and polar, at codon 219 of the KIF1A protein (p.Ala219Asp). This variant is not present in population databases (gnomAD no frequency). This variant has not been reported in the literature in individuals affected with KIF1A-related conditions. Advanced modeling of protein sequence and biophysical properties (such as structural, functional, and spatial information, amino acid conservation, physicochemical variation, residue mobility, and thermodynamic stability) performed at Invitae indicates that this missense variant is expected to disrupt KIF1A protein function. In summary, the available evidence is currently insufficient to determine the role of this variant in disease. Therefore, it has been classified as a Variant of Uncertain Significance.

NM_001244008.2(KIF1A):c.656C>A (p.Ala219Asp)

Gene: KIF1A (kinesin family member 1A; minus strand). Cytogenetic location: 2q37.3.
Variant type: single nucleotide variant.
Coding change: c.656C>A on transcript NM_001244008.2 (MANE Select); coding-DNA position 656, C replaced by A.
Protein change: p.Ala219Asp; replaces alanine 219 with aspartic acid.
Molecular consequence: missense variant.
Genome position (GRCh38, 1-based): chr2:240,785,053, G>T on the plus strand (C>A on the coding strand, the complement: KIF1A is on the minus strand). VCF-style: chr2-240785053-G-T. GRCh37 (hg19) VCF-style: chr2-241724470-G-T.
Other names: c.656C>A, p.Ala219Asp (NM_001320705.2, NM_001330289.2, NM_001330290.2 and 21 more transcripts); short protein forms A219D.
Identifiers: ClinVar variation 2952838 (VCV002952838.3), dbSNP rs2538308626, ClinGen allele CA351304731.
Genomic context (GRCh38, chr2:240,785,053, plus strand): 5'-TCCGTGGTGATATTGGTCTCTGCGTCATGGCGCTTCTGGGTGAAGATGATGTTGAAGACG[G>T]CGTGGGAGCGACTGCTGGTCTCATTCATGTTGGTGGCCGCCACGGTCCTGAGGAGCAGAA-3'
Protein context (NP_001230937.1, residues 209-229): NMNETSSRSH[Ala219Asp]VFNIIFTQKR